The following is an entry in ClinVar:

ClinVar aggregate classification (germline): Likely benign (1 of 4 stars; one submission).

Submission:

CeGaT Center for Human Genetics Tuebingen
Classification: Likely benign. Last evaluated: 2025-10-01. Review status: criteria provided, single submitter. Criteria: CeGaT Center For Human Genetics Tuebingen Variant Classification Criteria Version 2. Collection method: clinical testing. Allele origin: germline. Affected: yes. Observed: 1 variant allele.
Comment: OR4F17: BP4, BP7

NM_001005240.3(OR4F17):c.462C>G (p.Ala154=)

Gene: OR4F17 (olfactory receptor family 4 subfamily F member 17; plus strand). Cytogenetic location: 19p13.3.
Variant type: single nucleotide variant.
Coding change: c.462C>G on transcript NM_001005240.3 (MANE Select); coding-DNA position 462, C replaced by G.
Protein change: p.Ala154=; no amino-acid change (alanine 154 retained).
Molecular consequence: synonymous variant.
Genome position (GRCh38, 1-based): chr19:111,140, C>G. VCF-style: chr19-111140-C-G. GRCh37 (hg19) VCF-style: chr19-111140-C-G.
Other names: c.525C>G, p.Ala175= (NM_001429985.1).
Identifiers: ClinVar variation 4534762 (VCV004534762.6).
Genomic context (GRCh38, chr19:111,140, plus strand): 5'-TGTCGGCATTATGGCTGTCGCATGGGGAATTGGCTTTCTCCATTCGGTGAGCCAGTTGGC[C>G]TTTGCCGTGCACTTACCCTTCTGTGGTCCCAATGAGGTCGATAGTTTTTATTGTGACCTT-3'
Protein context (NP_001005240.1, residues 144-164): IGFLHSVSQL[Ala154=]FAVHLPFCGP